The following is an entry in ClinVar:

ClinVar aggregate classification (germline): Pathogenic/Likely pathogenic. Review status: criteria provided, multiple submitters, no conflicts (2 of 4 stars). 2 submissions from 2 submitters: Pathogenic (1); Likely pathogenic (1). Last evaluated 2025-04-21.

Conditions:
CEP250-related disorder. Also called: CEP250-related condition.

gnomAD v4.1: 5 of 1,610,762 alleles (0.00031%); highest among the groups gnomAD compares: Non-Finnish European, 0.00042%; no homozygotes.

Submissions (2):

Labcorp Genetics (formerly Invitae), Labcorp
Classification: Pathogenic. Last evaluated: 2025-04-21. Review status: criteria provided, single submitter. Criteria: Invitae Variant Classification Sherloc (09022015). Collection method: clinical testing. Allele origin: germline.
Comment: This sequence change creates a premature translational stop signal (p.Arg1869*) in the CEP250 gene. It is expected to result in an absent or disrupted protein product. Loss-of-function variants in CEP250 are known to be pathogenic (PMID: 24780881, 29718797). This variant is present in population databases (no rsID available, gnomAD 0.01%). This variant has not been reported in the literature in individuals affected with CEP250-related conditions. For these reasons, this variant has been classified as Pathogenic.

Blueprint Genetics
Classification: Likely pathogenic for CEP250-related disorders. Last evaluated: 2022-03-21. Review status: criteria provided, single submitter. Criteria: ACMG Guidelines, 2015. Collection method: clinical testing. Allele origin: germline. Affected: yes. Observed: 2 variant alleles.

Literature cited by the submitters: PubMed 24780881 (cited by Labcorp Genetics (formerly Invitae), Labcorp); PubMed 29718797 (cited by Labcorp Genetics (formerly Invitae), Labcorp).

NM_007186.6(CEP250):c.5605C>T (p.Arg1869Ter)

Gene: CEP250 (centrosomal protein 250; plus strand). Cytogenetic location: 20q11.22.
Variant type: single nucleotide variant.
Coding change: c.5605C>T on transcript NM_007186.6 (MANE Select); coding-DNA position 5605, C replaced by T.
Protein change: p.Arg1869Ter; replaces arginine 1869 with a stop codon.
Molecular consequence: nonsense.
Genome position (GRCh38, 1-based): chr20:35,503,974, C>T. VCF-style: chr20-35503974-C-T. GRCh37 (hg19) VCF-style: chr20-34091802-C-T.
Other names: c.3709C>T, p.Arg1237Ter (NM_001318219.1); short protein forms R1237*, R1869*.
Identifiers: ClinVar variation 4773834 (VCV004773834.2).
Genomic context (GRCh38, chr20:35,503,974, plus strand): 5'-CAAGCCCATATGACACTGAAGGAGCGTCATGGAGAGCTTCAGGACCACAAGGAACAGGCA[C>T]GAAGGCTGGAGGAAGAGCTGGCAGTGGAGGGACGGCGGGTCCAGGCCCTGGAGGAGGTGC-3'